The following is an entry in ClinVar:

NM_015910.7(WDPCP):c.730C>G (p.Leu244Val)

Gene: WDPCP (WD repeat containing planar cell polarity effector; minus strand). Cytogenetic location: 2p15.
Variant type: single nucleotide variant.
Coding change: c.730C>G on transcript NM_015910.7 (MANE Select); coding-DNA position 730, C replaced by G.
Protein change: p.Leu244Val; replaces leucine 244 with valine.
Molecular consequence: missense variant. On other transcripts: non-coding transcript variant (3).
Genome position (GRCh38, 1-based): chr2:63,433,840, G>C on the plus strand (C>G on the coding strand, the complement: WDPCP is on the minus strand). VCF-style: chr2-63433840-G-C. GRCh37 (hg19) VCF-style: chr2-63660974-G-C.
Other names: c.253C>G, p.Leu85Val (NM_001042692.3); c.658C>G, p.Leu220Val (NM_001354044.2); c.730C>G, p.Leu244Val (NM_001354045.2); short protein forms L244V, L220V, L85V.
Identifiers: ClinVar variation 1495730 (VCV001495730.8), dbSNP rs1177072150, ClinGen allele CA347062579.

ClinVar aggregate classification (germline): Uncertain significance (1 of 4 stars; one submission).

Conditions:
Bardet-Biedl syndrome (BBS). Identifiers: Orphanet 110, MedGen C0752166, MONDO:0015229.

Submission:

Labcorp Genetics (formerly Invitae), Labcorp
Classification: Uncertain significance for Bardet-Biedl syndrome. Last evaluated: 2021-06-01. Review status: criteria provided, single submitter. Criteria: Invitae Variant Classification Sherloc (09022015). Collection method: clinical testing. Allele origin: germline.
Comment: In summary, the available evidence is currently insufficient to determine the role of this variant in disease. Therefore, it has been classified as a Variant of Uncertain Significance. Algorithms developed to predict the effect of sequence changes on RNA splicing suggest that this variant may create or strengthen a splice site, but this prediction has not been confirmed by published transcriptional studies. Algorithms developed to predict the effect of missense changes on protein structure and function (SIFT, PolyPhen-2, Align-GVGD) all suggest that this variant is likely to be tolerated, but these predictions have not been confirmed by published functional studies and their clinical significance is uncertain. This variant has not been reported in the literature in individuals with WDPCP-related conditions. This variant is not present in population databases (ExAC no frequency). This sequence change replaces leucine with valine at codon 244 of the WDPCP protein (p.Leu244Val). The leucine residue is moderately conserved and there is a small physicochemical difference between leucine and valine.